The following is an entry in ClinVar:

NM_015325.3(ICE1):c.2039T>C (p.Leu680Ser)

Gene: ICE1 (interactor of little elongation complex ELL subunit 1; plus strand). Cytogenetic location: 5p15.32.
Variant type: single nucleotide variant.
Coding change: c.2039T>C on transcript NM_015325.3 (MANE Select); coding-DNA position 2039, T replaced by C.
Protein change: p.Leu680Ser; replaces leucine 680 with serine.
Molecular consequence: missense variant.
Genome position (GRCh38, 1-based): chr5:5,461,373, T>C. VCF-style: chr5-5461373-T-C. GRCh37 (hg19) VCF-style: chr5-5461486-T-C.
Other names: short protein forms L680S.
Identifiers: ClinVar variation 2633450 (VCV002633450.1), dbSNP rs1485153982, ClinGen allele CA359130659.

ClinVar aggregate classification (germline): Uncertain significance (1 of 4 stars; one submission).

Conditions:
ICE1-related disorder. Also called: ICE1-related condition.

Allele frequency attached by ClinVar (database versions not stated): gnomAD exomes below 0.00001.
gnomAD v4.1: 2 of 1,613,900 alleles (0.00012%); highest among the groups gnomAD compares: Non-Finnish European, 0.000085%; no homozygotes.

Submission:

PreventionGenetics, part of Exact Sciences
Classification: Uncertain significance for ICE1-related condition. Last evaluated: 2023-04-14. Review status: criteria provided, single submitter. Criteria: ACMG Guidelines, 2015. Collection method: clinical testing. Allele origin: germline.
Comment: The ICE1 c.2039T>C variant is predicted to result in the amino acid substitution p.Leu680Ser. To our knowledge, this variant has not been reported in the literature. This variant is reported in 0.0% of alleles in individuals of African descent in gnomAD. At this time, the clinical significance of this variant is uncertain due to the absence of conclusive functional and genetic evidence.